The following is an entry in ClinVar:

NM_053274.3(GLMN):c.271G>A (p.Asp91Asn)

Gene: GLMN (glomulin, FKBP associated protein; minus strand). Cytogenetic location: 1p22.1.
Variant type: single nucleotide variant.
Coding change: c.271G>A on transcript NM_053274.3 (MANE Select); coding-DNA position 271, G replaced by A.
Protein change: p.Asp91Asn; replaces aspartic acid 91 with asparagine.
Molecular consequence: missense variant. On other transcripts: non-coding transcript variant (1).
Genome position (GRCh38, 1-based): chr1:92,291,432, C>T on the plus strand (G>A on the coding strand, the complement: GLMN is on the minus strand). VCF-style: chr1-92291432-C-T. GRCh37 (hg19) VCF-style: chr1-92756989-C-T.
Other names: p.Asp91Asn; c.271G>A, p.Asp91Asn (NM_001319683.2); short protein forms D91N.
Identifiers: ClinVar variation 298147 (VCV000298147.19), dbSNP rs144577963, ClinGen allele CA950643.

ClinVar aggregate classification (germline): Benign. Review status: criteria provided, multiple submitters, no conflicts (2 of 4 stars). 7 submissions from 7 submitters: Benign (4). 3 of the submissions do not count toward it. Last evaluated 2025-06-02.

Conditions:
Glomuvenous malformation. Also called: GLOMANGIOMAS, MULTIPLE; GLOMUS TUMORS, MULTIPLE; VENOUS MALFORMATIONS WITH GLOMUS CELLS; Familial glomangioma. Identifiers: Orphanet 83454, MedGen C1841984, MONDO:0007672, OMIM 138000.
GLMN-related disorder. Also called: GLMN-related condition.

Allele frequency attached by ClinVar (database versions not stated): gnomAD 0.00115 and 0.00170; ESP Exome Variant Server 0.00138; TOPMed 0.00156; gnomAD exomes 0.00237 and 0.00397; 1000 Genomes Project 30x 0.00375; 1000 Genomes Project 0.00399; ExAC 0.00431.
gnomAD v4.1: 3,753 of 1,582,752 alleles (0.24%); highest among the groups gnomAD compares: South Asian, 2%; 52 homozygotes.

Submissions (7):

Mayo Clinic Laboratories, Mayo Clinic
Classification: Benign. Last evaluated: 2025-06-02. Review status: criteria provided, single submitter. Criteria: ACMG Guidelines, 2015. Collection method: clinical testing. Allele origin: germline. Observed: 1 variant allele.
Comment: BA1, BS2, BP4_moderate

ARUP Laboratories, Molecular Genetics and Genomics, ARUP Laboratories
Classification: Benign for Glomuvenous malformation. Last evaluated: 2019-05-10. Review status: criteria provided, single submitter. Criteria: ARUP Molecular Germline Variant Investigation Process. Collection method: clinical testing. Allele origin: germline.

Illumina Laboratory Services, Illumina
Classification: Benign for Glomuvenous malformation. Last evaluated: 2018-01-13. Review status: criteria provided, single submitter. Criteria: ICSL Variant Classification Criteria 13 December 2019. Collection method: clinical testing. Allele origin: germline.
Comment: This variant was observed in the ICSL laboratory as part of a predisposition screen in an ostensibly healthy population. It had not been previously curated by ICSL or reported in the Human Gene Mutation Database (HGMD: prior to June 1st, 2018), and was therefore a candidate for classification through an automated scoring system. Utilizing variant allele frequency, disease prevalence and penetrance estimates, and inheritance mode, an automated score was calculated to assess if this variant is too frequent to cause the disease. Based on the score and internal cut-off values, a variant classified as benign is not then subjected to further curation. The score for this variant resulted in a classification of benign for this disease.

Breakthrough Genomics
Classification: Benign. Review status: criteria provided, single submitter. Criteria: ACMG Guidelines, 2015. Collection method: not provided. Allele origin: germline. Inheritance: Autosomal dominant inheritance. Affected: yes.

PreventionGenetics, part of Exact Sciences
Classification: Benign for GLMN-related condition. Last evaluated: 2019-05-22. Review status: no assertion criteria provided. Collection method: clinical testing. Allele origin: germline. Not counted in ClinVar's aggregate classification.
Comment: This variant is classified as benign based on ACMG/AMP sequence variant interpretation guidelines (Richards et al. 2015 PMID: 25741868, with internal and published modifications).

Clinical Genetics, Academic Medical Center
Classification: Likely benign. Review status: no assertion criteria provided. Collection method: clinical testing. Allele origin: germline. Affected: yes. Study: VKGL Data-share Consensus. Not counted in ClinVar's aggregate classification.

Laboratory of Diagnostic Genome Analysis, Leiden University Medical Center (LUMC)
Classification: Benign. Review status: no assertion criteria provided. Collection method: clinical testing. Allele origin: germline. Affected: yes. Study: VKGL Data-share Consensus. Not counted in ClinVar's aggregate classification.

Literature cited by the submitters: PubMed 28655553 (cited by Mayo Clinic Laboratories, Mayo Clinic).